The following is an entry in ClinVar:

ClinVar aggregate classification (germline): Benign/Likely benign. Review status: criteria provided, multiple submitters, no conflicts (2 of 4 stars). 5 submissions from 5 submitters: Benign (1); Likely benign (4). Last evaluated 2025-07-30.

Conditions:
Juvenile polyposis syndrome (JPS). Identifiers: Orphanet 2929, MedGen C0345893, MONDO:0017380, OMIM 174900.
Hereditary cancer-predisposing syndrome. Also called: Hereditary neoplastic syndrome; Neoplastic Syndromes, Hereditary; Tumor predisposition; Hereditary Cancer Syndrome. Identifiers: Orphanet 140162, MedGen C0027672, MeSH D009386, MONDO:0015356.

Allele frequency attached by ClinVar (database versions not stated): gnomAD exomes below 0.00001.
gnomAD v4.1: 2 of 1,614,016 alleles (0.00012%); highest among the groups gnomAD compares: Non-Finnish European, 0.00017%; no homozygotes.

Submissions (5):

Labcorp Genetics (formerly Invitae), Labcorp
Classification: Likely benign for Juvenile polyposis syndrome. Last evaluated: 2025-07-30. Review status: criteria provided, single submitter. Criteria: Invitae Variant Classification Sherloc (09022015). Collection method: clinical testing. Allele origin: germline.

Ambry Genetics
Classification: Likely benign for Hereditary cancer-predisposing syndrome. Last evaluated: 2024-08-11. Review status: criteria provided, single submitter. Criteria: Ambry Variant Classification Scheme 2023. Collection method: clinical testing. Allele origin: germline.

Myriad Genetics, Inc.
Classification: Benign for Juvenile polyposis syndrome. Last evaluated: 2024-08-05. Review status: criteria provided, single submitter. Criteria: Myriad Autosomal Dominant, Autosomal Recessive and X-Linked Classification Criteria (2023). Collection method: clinical testing. Allele origin: unknown.
Comment: This variant is considered benign. This variant is a silent/synonymous amino acid change and it is not expected to impact splicing.

All of Us Research Program, National Institutes of Health
Classification: Likely benign for Juvenile polyposis syndrome. Last evaluated: 2023-03-23. Review status: criteria provided, single submitter. Criteria: ACMG Guidelines, 2015. Collection method: clinical testing. Allele origin: germline. Inheritance: Autosomal dominant inheritance. Observed: 1 variant allele, 1 heterozygote.
Comment: This study involves interpretation of variants in research participants for the purpose of population health screening. Participant phenotype was not available at the time of variant classification. Additional details can be found in publication PMID: 35346344, PMCID: PMC8962531

Color Diagnostics, LLC DBA Color Health
Classification: Likely benign for Hereditary cancer-predisposing syndrome. Last evaluated: 2021-12-05. Review status: criteria provided, single submitter. Criteria: ACMG Guidelines, 2015. Collection method: clinical testing. Allele origin: germline.

NM_004329.3(BMPR1A):c.714G>A (p.Arg238=)

Gene: BMPR1A (bone morphogenetic protein receptor type 1A; plus strand). Cytogenetic location: 10q23.2.
Variant type: single nucleotide variant.
Coding change: c.714G>A on transcript NM_004329.3 (MANE Select); coding-DNA position 714, G replaced by A.
Protein change: p.Arg238=; no amino-acid change (arginine 238 retained).
Molecular consequence: synonymous variant.
Genome position (GRCh38, 1-based): chr10:86,917,172, G>A. VCF-style: chr10-86917172-G-A. GRCh37 (hg19) VCF-style: chr10-88676929-G-A.
Identifiers: ClinVar variation 460510 (VCV000460510.16), dbSNP rs1554890752, ClinGen allele CA470307965.